The following is an entry in ClinVar:

NM_002769.5(PRSS1):c.139T>G (p.Phe47Val)

Genes: TRB (T cell receptor beta locus; plus strand), PRSS1 (serine protease 1; plus strand). Cytogenetic location: 7q34.
Variant type: single nucleotide variant.
Coding change: c.139T>G on transcript NM_002769.5 (MANE Select); coding-DNA position 139, T replaced by G.
Protein change: p.Phe47Val; replaces phenylalanine 47 with valine.
Molecular consequence: missense variant. On other transcripts: non-coding transcript variant (4).
Genome position (GRCh38, 1-based): chr7:142,750,653, T>G. VCF-style: chr7-142750653-T-G. GRCh37 (hg19) VCF-style: chr7-142458504-T-G.
Other names: short protein forms F47V.
Identifiers: ClinVar variation 1771747 (VCV001771747.2), dbSNP rs2485733543, ClinGen allele CA369607367.

ClinVar aggregate classification (germline): Uncertain significance (1 of 4 stars; one submission).

Conditions:
Hereditary pancreatitis (PCTT). Also called: Hereditary chronic pancreatitis; PRSS1-Related Hereditary Pancreatitis. Identifiers: Orphanet 676, MedGen C0238339, MONDO:0008185, OMIM 167800.

Allele frequency attached by ClinVar (database versions not stated): gnomAD exomes below 0.00001.
gnomAD v4.1: 1 of 1,614,034 alleles (0.000062%); highest among the groups gnomAD compares: Non-Finnish European, 0.000085%; no homozygotes.

Submission:

Ambry Genetics
Classification: Uncertain significance for Hereditary pancreatitis. Last evaluated: 2022-10-27. Review status: criteria provided, single submitter. Criteria: Ambry Variant Classification Scheme 2023. Collection method: clinical testing. Allele origin: germline.
Comment: The p.F47V variant (also known as c.139T>G), located in coding exon 2 of the PRSS1 gene, results from a T to G substitution at nucleotide position 139. The phenylalanine at codon 47 is replaced by valine, an amino acid with highly similar properties. This amino acid position is conserved. In addition, the in silico prediction for this alteration is inconclusive. Since supporting evidence is limited at this time, the clinical significance of this alteration remains unclear.